The following is an entry in ClinVar:

ClinVar aggregate classification (germline): Uncertain significance (1 of 4 stars; one submission).

Conditions:
CHARGE syndrome (CHARGE). Also called: CHARGE ASSOCIATION--COLOBOMA, HEART ANOMALY, CHOANAL ATRESIA, RETARDATION, GENITAL AND EAR ANOMALIES; Coloboma, heart anomaly, choanal atresia, retardation, genital and ear anomalies; CHARGE association; Hall-Hittner syndrome; Hittner Hirsch Kreh syndrome. Identifiers: Orphanet 138, MedGen C0265354, MONDO:0008965.

Submission:

Labcorp Genetics (formerly Invitae), Labcorp
Classification: Uncertain significance for CHARGE syndrome. Last evaluated: 2022-11-01. Review status: criteria provided, single submitter. Criteria: Invitae Variant Classification Sherloc (09022015). Collection method: clinical testing. Allele origin: germline.
Comment: In summary, the available evidence is currently insufficient to determine the role of this variant in disease. Therefore, it has been classified as a Variant of Uncertain Significance. Algorithms developed to predict the effect of missense changes on protein structure and function (SIFT, PolyPhen-2, Align-GVGD) all suggest that this variant is likely to be tolerated. ClinVar contains an entry for this variant (Variation ID: 863690). This variant has not been reported in the literature in individuals affected with CHD7-related conditions. This variant is not present in population databases (gnomAD no frequency). This sequence change replaces lysine, which is basic and polar, with asparagine, which is neutral and polar, at codon 1694 of the CHD7 protein (p.Lys1694Asn).

NM_017780.4(CHD7):c.5082G>T (p.Lys1694Asn)

Gene: CHD7 (chromodomain helicase DNA binding protein 7; plus strand). Cytogenetic location: 8q12.2.
Variant type: single nucleotide variant.
Coding change: c.5082G>T on transcript NM_017780.4 (MANE Select); coding-DNA position 5082, G replaced by T.
Protein change: p.Lys1694Asn; replaces lysine 1694 with asparagine.
Molecular consequence: missense variant. On other transcripts: intron variant (1).
Genome position (GRCh38, 1-based): chr8:60,845,281, G>T. VCF-style: chr8-60845281-G-T. GRCh37 (hg19) VCF-style: chr8-61757840-G-T.
Other names: c.1717-16948G>T (NM_001316690.1); short protein forms K1694N.
Identifiers: ClinVar variation 863690 (VCV000863690.7), dbSNP rs1805156340, ClinGen allele CA371320317.
Genomic context (GRCh38, chr8:60,845,281, plus strand): 5'-TTCTATTATTATTATGATGGTGATTCTAGGTTTGTCAGCTCCTGTGCCAAGGGGAAGGAA[G>T]GGAAAGAAGGTGAAAGCCCAGAGCACACAGCCGGTGGTGCAGGATGCCGACTGGCTGGCC-3'
Protein context (NP_060250.2, residues 1684-1704): GLSAPVPRGR[Lys1694Asn]GKKVKAQSTQ